The following is an entry in ClinVar:

NM_005236.3(ERCC4):c.1578G>A (p.Pro526=)

Gene: ERCC4 (ERCC excision repair 4, endonuclease catalytic subunit; plus strand). Cytogenetic location: 16p13.12.
Variant type: single nucleotide variant.
Coding change: c.1578G>A on transcript NM_005236.3 (MANE Select); coding-DNA position 1578, G replaced by A.
Protein change: p.Pro526=; no amino-acid change (proline 526 retained).
Molecular consequence: synonymous variant.
Genome position (GRCh38, 1-based): chr16:13,935,510, G>A. VCF-style: chr16-13935510-G-A. GRCh37 (hg19) VCF-style: chr16-14029367-G-A.
Identifiers: ClinVar variation 3031863 (VCV003031863.2), dbSNP rs757281318, ClinGen allele CA7910499.

ClinVar aggregate classification (germline): Likely benign (0 of 4 stars; one submission).

Conditions:
ERCC4-related disorder. Also called: ERCC4-related condition.

Allele frequency attached by ClinVar (database versions not stated): gnomAD exomes 0.00001; ExAC 0.00003.
gnomAD v4.1: 5 of 1,614,124 alleles (0.00031%); highest among the groups gnomAD compares: Admixed American, 0.005%; no homozygotes.

Submission:

PreventionGenetics, part of Exact Sciences
Classification: Likely benign for ERCC4-related condition. Last evaluated: 2020-10-27. Review status: no assertion criteria provided. Collection method: clinical testing. Allele origin: germline.
Comment: This variant is classified as likely benign based on ACMG/AMP sequence variant interpretation guidelines (Richards et al. 2015 PMID: 25741868, with internal and published modifications).